The following is an entry in ClinVar:

ClinVar aggregate classification (germline): Uncertain significance (1 of 4 stars; one submission).

Conditions:
Inborn genetic diseases. Identifiers: MedGen C0950123, MeSH D030342.

Submission:

Ambry Genetics
Classification: Uncertain significance for Inborn genetic diseases. Last evaluated: 2026-05-17. Review status: criteria provided, single submitter. Criteria: Ambry Variant Classification Scheme 2023. Collection method: clinical testing. Allele origin: germline.
Comment: The p.E111V variant (also known as c.332A>T), located in coding exon 3 of the HAX1 gene, results from an A to T substitution at nucleotide position 332. The glutamic acid at codon 111 is replaced by valine, an amino acid with dissimilar properties. This amino acid position is conserved. In addition, this alteration is predicted to be tolerated by in silico analysis. Based on the available evidence, the clinical significance of this variant remains unclear.

NM_006118.4(HAX1):c.332A>T (p.Glu111Val)

Gene: HAX1 (HCLS1 associated protein X-1; plus strand). Cytogenetic location: 1q21.3.
Variant type: single nucleotide variant.
Coding change: c.332A>T on transcript NM_006118.4 (MANE Select); coding-DNA position 332, A replaced by T.
Protein change: p.Glu111Val; replaces glutamic acid 111 with valine.
Molecular consequence: missense variant.
Genome position (GRCh38, 1-based): chr1:154,273,789, A>T. VCF-style: chr1-154273789-A-T. GRCh37 (hg19) VCF-style: chr1-154246265-A-T.
Other names: c.188A>T, p.Glu63Val (NM_001018837.2); short protein forms E111V, E63V.
Identifiers: ClinVar variation 4858281 (VCV004858281.1).